The following is an entry in ClinVar:

ClinVar aggregate classification (germline): Uncertain significance (1 of 4 stars; one submission).

Conditions:
Severe combined immunodeficiency due to DNA-PKcs deficiency. Also called: IMMUNODEFICIENCY 26 WITH NEUROLOGIC ABNORMALITIES; Immunodeficiency 26 with or without neurologic abnormalities. Identifiers: Orphanet 317425, MedGen C4014833, MONDO:0014423, OMIM 615966.

Allele frequency attached by ClinVar (database versions not stated): gnomAD 0.00005; TOPMed 0.00006; ESP Exome Variant Server 0.00008.
gnomAD v4.1: 57 of 1,613,562 alleles (0.0035%); highest among the groups gnomAD compares: Middle Eastern, 0.033%; no homozygotes.

Submission:

Labcorp Genetics (formerly Invitae), Labcorp
Classification: Uncertain significance for Severe combined immunodeficiency due to DNA-PKcs deficiency. Last evaluated: 2022-06-20. Review status: criteria provided, single submitter. Criteria: Invitae Variant Classification Sherloc (09022015). Collection method: clinical testing. Allele origin: germline.
Comment: This sequence change replaces alanine, which is neutral and non-polar, with valine, which is neutral and non-polar, at codon 3899 of the PRKDC protein (p.Ala3899Val). This variant is present in population databases (rs371310347, gnomAD 0.02%). This variant has not been reported in the literature in individuals affected with PRKDC-related conditions. ClinVar contains an entry for this variant (Variation ID: 1020643). Experimental studies and prediction algorithms are not available or were not evaluated, and the functional significance of this variant is currently unknown. In summary, the available evidence is currently insufficient to determine the role of this variant in disease. Therefore, it has been classified as a Variant of Uncertain Significance.

NM_006904.7(PRKDC):c.11696C>T (p.Ala3899Val)

Gene: PRKDC (protein kinase, DNA-activated, catalytic subunit; minus strand). Cytogenetic location: 8q11.21.
Variant type: single nucleotide variant.
Coding change: c.11696C>T on transcript NM_006904.7 (MANE Select); coding-DNA position 11696, C replaced by T.
Protein change: p.Ala3899Val; replaces alanine 3899 with valine.
Molecular consequence: missense variant.
Genome position (GRCh38, 1-based): chr8:47,778,616, G>A on the plus strand (C>T on the coding strand, the complement: PRKDC is on the minus strand). VCF-style: chr8-47778616-G-A. GRCh37 (hg19) VCF-style: chr8-48691177-G-A.
Other names: c.11603C>T, p.Ala3868Val (NM_001081640.2); short protein forms A3868V, A3899V.
Identifiers: ClinVar variation 1020643 (VCV001020643.2), dbSNP rs371310347, ClinGen allele CA4739009.